The following is an entry in ClinVar:

ClinVar aggregate classification (germline): Conflicting classifications of pathogenicity. Review status: criteria provided, conflicting classifications (1 of 4 stars). 2 submissions from 2 submitters: Likely pathogenic (1); Uncertain significance (1). Last evaluated 2024-09-16.

Conditions:
Fanconi anemia (FA). Also called: Fanconi's anemia. Identifiers: Orphanet 84, MedGen C0015625, MeSH D005199, MONDO:0019391.
Fanconi anemia complementation group A (FANCA). Also called: Fanconi anemia, group A; FANCA-Related Fanconi Anemia. Identifiers: Orphanet 84, MedGen C3469521, MONDO:0009215, OMIM 227650.

Allele frequency attached by ClinVar (database versions not stated): gnomAD exomes below 0.00001.
gnomAD v4.1: 2 of 1,614,112 alleles (0.00012%); highest among the groups gnomAD compares: South Asian, 0.0011%; no homozygotes.

Submissions (2):

Labcorp Genetics (formerly Invitae), Labcorp
Classification: Uncertain significance for Fanconi anemia. Last evaluated: 2024-09-16. Review status: criteria provided, single submitter. Criteria: Invitae Variant Classification Sherloc (09022015). Collection method: clinical testing. Allele origin: germline.
Comment: This sequence change replaces tyrosine, which is neutral and polar, with histidine, which is basic and polar, at codon 448 of the FANCA protein (p.Tyr448His). This variant is not present in population databases (gnomAD no frequency). This variant has not been reported in the literature in individuals affected with FANCA-related conditions. ClinVar contains an entry for this variant (Variation ID: 623162). Invitae Evidence Modeling of protein sequence and biophysical properties (such as structural, functional, and spatial information, amino acid conservation, physicochemical variation, residue mobility, and thermodynamic stability) indicates that this missense variant is expected to disrupt FANCA protein function with a positive predictive value of 80%. In summary, the available evidence is currently insufficient to determine the role of this variant in disease. Therefore, it has been classified as a Variant of Uncertain Significance.

Molecular Diagnostics Laboratory, M Health Fairview: University of Minnesota
Classification: Likely pathogenic for Fanconi anemia complementation group A. Last evaluated: 2017-07-14. Review status: criteria provided, single submitter. Criteria: ACMG Guidelines, 2015. Collection method: clinical testing. Allele origin: germline. Affected: yes. Observed: 1 variant allele.

NM_000135.4(FANCA):c.1342T>C (p.Tyr448His)

Gene: FANCA (FA complementation group A; minus strand). Cytogenetic location: 16q24.3.
Variant type: single nucleotide variant.
Coding change: c.1342T>C on transcript NM_000135.4 (MANE Select); coding-DNA position 1342, T replaced by C.
Protein change: p.Tyr448His; replaces tyrosine 448 with histidine.
Molecular consequence: missense variant.
Genome position (GRCh38, 1-based): chr16:89,791,420, A>G on the plus strand (T>C on the coding strand, the complement: FANCA is on the minus strand). VCF-style: chr16-89791420-A-G. GRCh37 (hg19) VCF-style: chr16-89857828-A-G.
Other names: c.1342T>C (LRG_495t1); c.1342T>C, p.Tyr448His (NM_001286167.3); short protein forms Y448H.
Identifiers: ClinVar variation 623162 (VCV000623162.5), dbSNP rs1567635573, ClinGen allele CA397463717.